The following is an entry in ClinVar:

ClinVar aggregate classification (germline): Likely pathogenic (1 of 4 stars; one submission).

Conditions:
COL1A2-related disorder. Also called: COL1A2-related condition; COL1A2-Related Disorders.

Submission:

PreventionGenetics, part of Exact Sciences
Classification: Likely pathogenic for COL1A2-related condition. Last evaluated: 2023-02-15. Review status: criteria provided, single submitter. Criteria: ACMG Guidelines, 2015. Collection method: clinical testing. Allele origin: germline.
Comment: The COL1A2 c.2495G>A variant is predicted to result in the amino acid substitution p.Gly832Glu. To our knowledge, this variant has not been reported in the literature or in a large population database, indicating this variant is rare. The p.Gly832 amino acid is located in the conserved Gly-Xaa-Yaa triple helical domain where substitutions of a glycine are usually pathogenic (Marini et al. 2007. PubMed ID: 17078022). In addition, a different variant affecting the same amino acid (p.Gly832Val) was reported in one individual with osteogenesis imperfecta (Table S1, Li. 2019. PubMed ID: 30715774). This variant is interpreted as likely pathogenic.

NM_000089.4(COL1A2):c.2495G>A (p.Gly832Glu)

Gene: COL1A2 (collagen type I alpha 2 chain; plus strand). Cytogenetic location: 7q21.3.
Variant type: single nucleotide variant.
Coding change: c.2495G>A on transcript NM_000089.4 (MANE Select); coding-DNA position 2495, G replaced by A.
Protein change: p.Gly832Glu; replaces glycine 832 with glutamic acid.
Molecular consequence: missense variant.
Genome position (GRCh38, 1-based): chr7:94,423,048, G>A. VCF-style: chr7-94423048-G-A. GRCh37 (hg19) VCF-style: chr7-94052360-G-A.
Other names: short protein forms G832E.
Identifiers: ClinVar variation 2630223 (VCV002630223.1), dbSNP rs2484729533, ClinGen allele CA368224035.
Genomic context (GRCh38, chr7:94,423,048, plus strand): 5'-CTGCTGGGAAAGAAGGGCTTCGTGGTCCTCGTGGTGACCAAGGTCCAGTTGGCCGAACTG[G>A]AGAAGTAGGTGCAGTTGGTCCCCCTGGCTTCGCTGGTGAGAAGGGTCCCTCTGGAGAGGC-3'
Protein context (NP_000080.2, residues 822-842): RGDQGPVGRT[Gly832Glu]EVGAVGPPGF